The following is an entry in ClinVar:

NM_002103.5(GYS1):c.152C>T (p.Ala51Val)

Gene: GYS1 (glycogen synthase 1; minus strand). Cytogenetic location: 19q13.33.
Variant type: single nucleotide variant.
Coding change: c.152C>T on transcript NM_002103.5 (MANE Select); coding-DNA position 152, C replaced by T.
Protein change: p.Ala51Val; replaces alanine 51 with valine.
Molecular consequence: missense variant.
Genome position (GRCh38, 1-based): chr19:48,991,450, G>A on the plus strand (C>T on the coding strand, the complement: GYS1 is on the minus strand). VCF-style: chr19-48991450-G-A. GRCh37 (hg19) VCF-style: chr19-49494707-G-A.
Other names: c.152C>T, p.Ala51Val (NM_001161587.2); short protein forms A51V.
Identifiers: ClinVar variation 1348956 (VCV001348956.6), dbSNP rs780821674, ClinGen allele CA9563431.
Genomic context (GRCh38, chr19:48,991,450, plus strand): 5'-TGCTCCGTGTACGGCCCCACCAGGAAGTAGTTGTCGCCCCATTCGTCCCCTGTCACCTTC[G>A]CCTTCGTCTGCAGCACCGTGTAGATGCCACCCACTGTGGGCCCAAGCGTGTGAGGGCAGG-3'
Protein context (NP_002094.2, residues 41-61): GGIYTVLQTK[Ala51Val]KVTGDEWGDN

ClinVar aggregate classification (germline): Uncertain significance (1 of 4 stars; one submission).

Conditions:
Glycogen storage disease due to muscle and heart glycogen synthase deficiency. Also called: GSD 0b; MUSCLE GLYCOGEN SYNTHASE DEFICIENCY. Identifiers: Orphanet 137625, MedGen C1969054, MONDO:0012693, OMIM 611556.

Allele frequency attached by ClinVar (database versions not stated): gnomAD exomes 0.00001; ExAC 0.00002; TOPMed 0.00002; gnomAD 0.00003.
gnomAD v4.1: 8 of 1,613,930 alleles (0.0005%); highest among the groups gnomAD compares: African/African-American, 0.004%; no homozygotes.

Submission:

Labcorp Genetics (formerly Invitae), Labcorp
Classification: Uncertain significance for Glycogen storage disease due to muscle and heart glycogen synthase deficiency. Last evaluated: 2022-08-17. Review status: criteria provided, single submitter. Criteria: Invitae Variant Classification Sherloc (09022015). Collection method: clinical testing. Allele origin: germline.
Comment: Algorithms developed to predict the effect of missense changes on protein structure and function are either unavailable or do not agree on the potential impact of this missense change (SIFT: "Deleterious"; PolyPhen-2: "Possibly Damaging"; Align-GVGD: "Class C0"). ClinVar contains an entry for this variant (Variation ID: 1348956). This variant has not been reported in the literature in individuals affected with GYS1-related conditions. This variant is present in population databases (rs780821674, gnomAD 0.003%). This sequence change replaces alanine, which is neutral and non-polar, with valine, which is neutral and non-polar, at codon 51 of the GYS1 protein (p.Ala51Val). Algorithms developed to predict the effect of sequence changes on RNA splicing suggest that this variant may create or strengthen a splice site. In summary, the available evidence is currently insufficient to determine the role of this variant in disease. Therefore, it has been classified as a Variant of Uncertain Significance.